The following is an entry in ClinVar:

NM_005876.5(SPEG):c.4231G>A (p.Val1411Ile)

Gene: SPEG (striated muscle enriched protein kinase; plus strand). Cytogenetic location: 2q35.
Variant type: single nucleotide variant.
Coding change: c.4231G>A on transcript NM_005876.5 (MANE Select); coding-DNA position 4231, G replaced by A.
Protein change: p.Val1411Ile; replaces valine 1411 with isoleucine.
Molecular consequence: missense variant.
Genome position (GRCh38, 1-based): chr2:219,473,587, G>A. VCF-style: chr2-219473587-G-A. GRCh37 (hg19) VCF-style: chr2-220338309-G-A.
Other names: short protein forms V1411I.
Identifiers: ClinVar variation 1916684 (VCV001916684.5), dbSNP rs115558647, ClinGen allele CA2126440.
Genomic context (GRCh38, chr2:219,473,587, plus strand): 5'-GCCATGCTGGACAAACCAGACATCGTGTATGTGGTGGAGGGACAGCCTGCCAGCGTCACC[G>A]TCACATTCAACCATGTGGAGGCCCAGGTCGTCTGGAGGAGGTGGGCCCCTTTCCCACATG-3'
Protein context (NP_005867.3, residues 1401-1421): VVEGQPASVT[Val1411Ile]TFNHVEAQVV

ClinVar aggregate classification (germline): Uncertain significance (1 of 4 stars; one submission).

Allele frequency attached by ClinVar (database versions not stated): gnomAD exomes 0.00001; TOPMed 0.00001; ExAC 0.00002; gnomAD 0.00002; 1000 Genomes Project 30x 0.00016; 1000 Genomes Project 0.00020.
gnomAD v4.1: 15 of 1,614,184 alleles (0.00093%); highest among the groups gnomAD compares: South Asian, 0.0033%; no homozygotes.

Submission:

Labcorp Genetics (formerly Invitae), Labcorp
Classification: Uncertain significance. Last evaluated: 2024-08-27. Review status: criteria provided, single submitter. Criteria: Invitae Variant Classification Sherloc (09022015). Collection method: clinical testing. Allele origin: germline.
Comment: This sequence change replaces valine, which is neutral and non-polar, with isoleucine, which is neutral and non-polar, at codon 1411 of the SPEG protein (p.Val1411Ile). This variant is present in population databases (rs115558647, gnomAD 0.004%). This variant has not been reported in the literature in individuals affected with SPEG-related conditions. ClinVar contains an entry for this variant (Variation ID: 1916684). An algorithm developed to predict the effect of missense changes on protein structure and function outputs the following: PolyPhen-2: "Benign". The isoleucine amino acid residue is found in multiple mammalian species, which suggests that this missense change does not adversely affect protein function. In summary, the available evidence is currently insufficient to determine the role of this variant in disease. Therefore, it has been classified as a Variant of Uncertain Significance.